The following is an entry in ClinVar:

NM_000051.4(ATM):c.9058G>A (p.Val3020Met)

Genes: ATM (ATM serine/threonine kinase; plus strand), C11orf65 (chromosome 11 open reading frame 65; minus strand). Cytogenetic location: 11q22.3.
Variant type: single nucleotide variant.
Coding change: c.9058G>A on transcript NM_000051.4 (MANE Select); coding-DNA position 9058, G replaced by A.
Protein change: p.Val3020Met; replaces valine 3020 with methionine.
Molecular consequence: missense variant. On other transcripts: intron variant (2).
Genome position (GRCh38, 1-based): chr11:108,365,395, G>A. VCF-style: chr11-108365395-G-A. GRCh37 (hg19) VCF-style: chr11-108236122-G-A.
Other names: c.9058G>A, p.Val3020Met (NM_001351834.2); c.640+20525C>T (NM_001330368.2); c.694+20525C>T (NM_001351110.2); short protein forms V3020M.
Identifiers: ClinVar variation 3638307 (VCV003638307.2).

ClinVar aggregate classification (germline): Uncertain significance (1 of 4 stars; one submission).

Conditions:
Ataxia-telangiectasia syndrome (AT). Also called: Ataxia-telangiectasia, complementation group D; AT, COMPLEMENTATION GROUP C; ATAXIA-TELANGIECTASIA, COMPLEMENTATION GROUP A; ATAXIA-TELANGIECTASIA, FRESNO VARIANT; Ataxia-telangiectasia; Ataxia-telangiectasia, complementation group E. Identifiers: Orphanet 100, MedGen C0004135, MONDO:0008840, OMIM 208900.

Submission:

Labcorp Genetics (formerly Invitae), Labcorp
Classification: Uncertain significance for Ataxia-telangiectasia syndrome. Last evaluated: 2024-02-02. Review status: criteria provided, single submitter. Criteria: Invitae Variant Classification Sherloc (09022015). Collection method: clinical testing. Allele origin: germline.
Comment: This sequence change replaces valine, which is neutral and non-polar, with methionine, which is neutral and non-polar, at codon 3020 of the ATM protein (p.Val3020Met). This variant is not present in population databases (gnomAD no frequency). This variant has not been reported in the literature in individuals affected with ATM-related conditions. An algorithm developed to predict the effect of missense changes on protein structure and function (PolyPhen-2) suggests that this variant is likely to be tolerated. In summary, the available evidence is currently insufficient to determine the role of this variant in disease. Therefore, it has been classified as a Variant of Uncertain Significance.